The following is an entry in ClinVar:

ClinVar aggregate classification (germline): Uncertain significance. Review status: criteria provided, multiple submitters, no conflicts (2 of 4 stars). 2 submissions from 2 submitters: Uncertain significance (2). Last evaluated 2022-03-13.

Conditions:
Ataxia-telangiectasia syndrome (AT). Also called: Ataxia telangiectasia (A-T); LOUIS-BAR SYNDROME; Cerebello-oculocutaneous telangiectasia; Immunodeficiency with ataxia telangiectasia; Ataxia-telangiectasia, complementation group D; AT, COMPLEMENTATION GROUP C. Identifiers: Orphanet 100, MedGen C0004135, MONDO:0008840, OMIM 208900.
Hereditary cancer-predisposing syndrome. Also called: Hereditary neoplastic syndrome; Neoplastic Syndromes, Hereditary; Tumor predisposition; Hereditary Cancer Syndrome. Identifiers: Orphanet 140162, MedGen C0027672, MeSH D009386, MONDO:0015356.

Allele frequency attached by ClinVar (database versions not stated): gnomAD exomes below 0.00001.
gnomAD v4.1: 1 of 1,613,550 alleles (0.000062%); highest among the groups gnomAD compares: South Asian, 0.0011%; no homozygotes.

Submissions (2):

Labcorp Genetics (formerly Invitae), Labcorp
Classification: Uncertain significance for Ataxia-telangiectasia syndrome. Last evaluated: 2022-03-13. Review status: criteria provided, single submitter. Criteria: Invitae Variant Classification Sherloc (09022015). Collection method: clinical testing. Allele origin: germline.
Comment: This sequence change replaces asparagine, which is neutral and polar, with serine, which is neutral and polar, at codon 2679 of the ATM protein (p.Asn2679Ser). In summary, the available evidence is currently insufficient to determine the role of this variant in disease. Therefore, it has been classified as a Variant of Uncertain Significance. Algorithms developed to predict the effect of missense changes on protein structure and function (SIFT, PolyPhen-2, Align-GVGD) all suggest that this variant is likely to be tolerated. This variant has not been reported in the literature in individuals affected with ATM-related conditions. This variant is not present in population databases (gnomAD no frequency).

Ambry Genetics
Classification: Uncertain significance for Hereditary cancer-predisposing syndrome. Last evaluated: 2021-08-28. Review status: criteria provided, single submitter. Criteria: Ambry Variant Classification Scheme 2023. Collection method: clinical testing. Allele origin: germline.
Comment: The p.N2679S variant (also known as c.8036A>G), located in coding exon 54 of the ATM gene, results from an A to G substitution at nucleotide position 8036. The asparagine at codon 2679 is replaced by serine, an amino acid with highly similar properties. This amino acid position is conserved. In addition, this alteration is predicted to be tolerated by in silico analysis. Since supporting evidence is limited at this time, the clinical significance of this alteration remains unclear.

NM_000051.4(ATM):c.8036A>G (p.Asn2679Ser)

Genes: ATM (ATM serine/threonine kinase; plus strand), C11orf65 (chromosome 11 open reading frame 65; minus strand). Cytogenetic location: 11q22.3.
Variant type: single nucleotide variant.
Coding change: c.8036A>G on transcript NM_000051.4 (MANE Select); coding-DNA position 8036, A replaced by G.
Protein change: p.Asn2679Ser; replaces asparagine 2679 with serine.
Molecular consequence: missense variant. On other transcripts: intron variant (2).
Genome position (GRCh38, 1-based): chr11:108,334,994, A>G. VCF-style: chr11-108334994-A-G. GRCh37 (hg19) VCF-style: chr11-108205721-A-G.
Other names: c.8036A>G, p.Asn2679Ser (NM_001351834.2); c.641-25923T>C (NM_001330368.2); c.*38+226T>C (NM_001351110.2); short protein forms N2679S.
Identifiers: ClinVar variation 1761749 (VCV001761749.7), dbSNP rs2547328800, ClinGen allele CA382561889.